The following is an entry in ClinVar:

ClinVar aggregate classification (germline): Uncertain significance. Review status: criteria provided, multiple submitters, no conflicts (2 of 4 stars). 2 submissions from 2 submitters: Uncertain significance (2). Last evaluated 2025-05-03.

Conditions:
Hereditary cancer-predisposing syndrome. Also called: Neoplastic Syndromes, Hereditary; Tumor predisposition; Hereditary Cancer Syndrome; Hereditary neoplastic syndrome. Identifiers: Orphanet 140162, MedGen C0027672, MeSH D009386, MONDO:0015356.
Hereditary breast ovarian cancer syndrome. Also called: Breast and ovarian cancer; BRCA1- and BRCA2-Associated Hereditary Breast and Ovarian Cancer; Hereditary breast and ovarian cancer; Hereditary breast and/or ovarian cancer syndrome; Hereditary breast and ovarian cancer syndrome; Hereditary breast and ovarian cancer syndrome (HBOC). Identifiers: Orphanet 145, MedGen C0677776, MeSH D061325, MONDO:0003582. Disease mechanism: loss of function.

Submissions (2):

Ambry Genetics
Classification: Uncertain significance for Hereditary cancer-predisposing syndrome. Last evaluated: 2025-05-03. Review status: criteria provided, single submitter. Criteria: Ambry Variant Classification Scheme 2023. Collection method: clinical testing. Allele origin: germline.
Comment: The p.T3388I variant (also known as c.10163C>T), located in coding exon 26 of the BRCA2 gene, results from a C to T substitution at nucleotide position 10163. The threonine at codon 3388 is replaced by isoleucine, an amino acid with similar properties. This amino acid position is conserved. In addition, this alteration is predicted to be tolerated by in silico analysis. Since supporting evidence is limited at this time, the clinical significance of this alteration remains unclear.

Labcorp Genetics (formerly Invitae), Labcorp
Classification: Uncertain significance for Hereditary breast ovarian cancer syndrome. Last evaluated: 2025-04-16. Review status: criteria provided, single submitter. Criteria: Invitae Variant Classification Sherloc (09022015). Collection method: clinical testing. Allele origin: germline.
Comment: This sequence change replaces threonine, which is neutral and polar, with isoleucine, which is neutral and non-polar, at codon 3388 of the BRCA2 protein (p.Thr3388Ile). This variant is not present in population databases (gnomAD no frequency). This variant has not been reported in the literature in individuals affected with BRCA2-related conditions. ClinVar contains an entry for this variant (Variation ID: 652199). Invitae Evidence Modeling of protein sequence and biophysical properties (such as structural, functional, and spatial information, amino acid conservation, physicochemical variation, residue mobility, and thermodynamic stability) indicates that this missense variant is not expected to disrupt BRCA2 protein function with a negative predictive value of 95%. In summary, the available evidence is currently insufficient to determine the role of this variant in disease. Therefore, it has been classified as a Variant of Uncertain Significance.

NM_000059.4(BRCA2):c.10163C>T (p.Thr3388Ile)

Gene: BRCA2 (BRCA2 DNA repair associated; plus strand). Cytogenetic location: 13q13.1.
Variant type: single nucleotide variant.
Coding change: c.10163C>T on transcript NM_000059.4 (MANE Select); coding-DNA position 10163, C replaced by T.
Protein change: p.Thr3388Ile; replaces threonine 3388 with isoleucine.
Molecular consequence: missense variant.
Genome position (GRCh38, 1-based): chr13:32,398,676, C>T. VCF-style: chr13-32398676-C-T. GRCh37 (hg19) VCF-style: chr13-32972813-C-T.
Other names: short protein forms T3388I.
Identifiers: ClinVar variation 652199 (VCV000652199.12), dbSNP rs1431008455, ClinGen allele CA387768208.
Genomic context (GRCh38, chr13:32,398,676, plus strand): 5'-CCACTAGGACTGCTCCCACCAGTTCAGAAGATTATCTCAGACTGAAACGACGTTGTACTA[C>T]ATCTCTGATCAAAGAACAGGAGAGTTCCCAGGCCAGTACGGAAGAATGTGAGAAAAATAA-3'
Protein context (NP_000050.3, residues 3378-3398): DYLRLKRRCT[Thr3388Ile]SLIKEQESSQ